The following is an entry in ClinVar:

ClinVar aggregate classification (germline): Uncertain significance (1 of 4 stars; one submission).

Conditions:
Duchenne muscular dystrophy (DMD). Also called: MUSCULAR DYSTROPHY, PSEUDOHYPERTROPHIC PROGRESSIVE, DUCHENNE TYPE; Duchenne Muscular Dystrophy (DMD). Identifiers: Orphanet 98896, MedGen C0013264, MONDO:0010679, OMIM 310200.

Allele frequency attached by ClinVar (database versions not stated): gnomAD exomes below 0.00001.
gnomAD v4.1: 1 of 1,208,568 alleles (0.000083%); highest among the groups gnomAD compares: Non-Finnish European, 0.00011%; no homozygotes.

Submission:

Labcorp Genetics (formerly Invitae), Labcorp
Classification: Uncertain significance for Duchenne muscular dystrophy. Last evaluated: 2024-05-06. Review status: criteria provided, single submitter. Criteria: Invitae Variant Classification Sherloc (09022015). Collection method: clinical testing. Allele origin: germline.
Comment: This sequence change falls in intron 33 of the DMD gene. It does not directly change the encoded amino acid sequence of the DMD protein. It affects a nucleotide within the consensus splice site. This variant is not present in population databases (gnomAD no frequency). This variant has not been reported in the literature in individuals affected with DMD-related conditions. ClinVar contains an entry for this variant (Variation ID: 1897138). Variants that disrupt the consensus splice site are a relatively common cause of aberrant splicing (PMID: 17576681, 9536098). Algorithms developed to predict the effect of sequence changes on RNA splicing suggest that this variant may disrupt the consensus splice site. In summary, the available evidence is currently insufficient to determine the role of this variant in disease. Therefore, it has been classified as a Variant of Uncertain Significance.

Literature cited by the submitters: PubMed 17576681; PubMed 9536098.

NM_004006.3(DMD):c.4674+5G>A

Gene: DMD (dystrophin; minus strand). Cytogenetic location: Xp21.1.
Variant type: single nucleotide variant.
Coding change: c.4674+5G>A on transcript NM_004006.3 (MANE Select); 5 bases into the intron after coding-DNA position 4674, G replaced by A.
Molecular consequence: intron variant.
Genome position (GRCh38, 1-based): chrX:32,386,305, C>T on the plus strand (G>A on the coding strand, the complement: DMD is on the minus strand). VCF-style: chrX-32386305-C-T. GRCh37 (hg19) VCF-style: chrX-32404422-C-T.
Other names: c.4650+5G>A (NM_000109.4); c.651+5G>A (NM_004011.4); c.642+5G>A (NM_004012.4); c.4662+5G>A (NM_004009.3); c.4305+5G>A (NM_004010.3).
Identifiers: ClinVar variation 1897138 (VCV001897138.5), dbSNP rs2523039468, ClinGen allele CA2580100681.